The following is an entry in ClinVar:

ClinVar aggregate classification (germline): Likely benign (0 of 4 stars; one submission).

Conditions:
DVL2-related disorder. Also called: DVL2-related condition.

Allele frequency attached by ClinVar (database versions not stated): gnomAD exomes 0.00015; ExAC 0.00044; gnomAD 0.00134; ESP Exome Variant Server 0.00138; 1000 Genomes Project 0.00140; TOPMed 0.00151; 1000 Genomes Project 30x 0.00172.
gnomAD v4.1: 421 of 1,613,356 alleles (0.026%); highest among the groups gnomAD compares: African/African-American, 0.5%; 3 homozygotes.

Submission:

PreventionGenetics, part of Exact Sciences
Classification: Likely benign for DVL2-related condition. Last evaluated: 2019-12-12. Review status: no assertion criteria provided. Collection method: clinical testing. Allele origin: germline.
Comment: This variant is classified as likely benign based on ACMG/AMP sequence variant interpretation guidelines (Richards et al. 2015 PMID: 25741868, with internal and published modifications).

NM_004422.3(DVL2):c.230G>A (p.Arg77His)

Gene: DVL2 (dishevelled segment polarity protein 2; minus strand). Cytogenetic location: 17p13.1.
Variant type: single nucleotide variant.
Coding change: c.230G>A on transcript NM_004422.3 (MANE Select); coding-DNA position 230, G replaced by A.
Protein change: p.Arg77His; replaces arginine 77 with histidine.
Molecular consequence: missense variant.
Genome position (GRCh38, 1-based): chr17:7,230,762, C>T on the plus strand (G>A on the coding strand, the complement: DVL2 is on the minus strand). VCF-style: chr17-7230762-C-T. GRCh37 (hg19) VCF-style: chr17-7134081-C-T.
Other names: short protein forms R77H.
Identifiers: ClinVar variation 3044997 (VCV003044997.2), dbSNP rs143043931, ClinGen allele CA8339053.
Genomic context (GRCh38, chr17:7,230,762, plus strand): 5'-TGGTCCTCGGTGTCAGAACCTCTTACCCAGGATACCACCCTTCCGTTGAAGCAGGGGAGG[C>T]GGGCGTTGTCATCTGAAATTTCTTCCTTCACCACCCTGCCAAGCGACAAGGTAGAGGTCA-3'
Protein context (NP_004413.1, residues 67-87): VKEEISDDNA[Arg77His]LPCFNGRVVS